The following is an entry in ClinVar:

NM_018451.5(CPAP):c.1029del (p.Glu344fs)

Gene: CPAP (centrosome assembly and centriole elongation protein; minus strand). Cytogenetic location: 13q12.13.
Variant type: Deletion.
Coding change: c.1029del on transcript NM_018451.5 (MANE Select); coding-DNA position 1029, one base deleted (A; older notation c.1029delA).
Protein change: p.Glu344fs; shifts the reading frame from glutamic acid 344.
Molecular consequence: frameshift variant. On other transcripts: non-coding transcript variant (2).
Genome position (GRCh38, 1-based): chr13:24,907,139, T deleted on the plus strand (A on the coding strand, the reverse complement: CPAP is on the minus strand); the first of 2 consecutive T bases (chr13:24,907,139-24,907,140); deleting either gives the same sequence. VCF-style (leftmost placement, unchanged base first): chr13-24907138-CT-C. GRCh37 (hg19) VCF-style: chr13-25481276-CT-C.
Other names: short protein forms E344fs.
Identifiers: ClinVar variation 280490 (VCV000280490.6), dbSNP rs769916634, ClinGen allele CA6919844.

ClinVar aggregate classification (germline): Pathogenic/Likely pathogenic. Review status: criteria provided, multiple submitters, no conflicts (2 of 4 stars). 3 submissions from 3 submitters: Pathogenic (2); Likely pathogenic (1). Last evaluated 2023-11-28.

Conditions:
CENPJ-related disorder. Also called: CENPJ-related condition; CENPJ-related disorders.

Submissions (3):

Labcorp Genetics (formerly Invitae), Labcorp
Classification: Pathogenic. Last evaluated: 2023-11-28. Review status: criteria provided, single submitter. Criteria: Invitae Variant Classification Sherloc (09022015). Collection method: clinical testing. Allele origin: germline.
Comment: This sequence change creates a premature translational stop signal (p.Glu344Asnfs*10) in the CENPJ gene. It is expected to result in an absent or disrupted protein product. Loss-of-function variants in CENPJ are known to be pathogenic (PMID: 15793586, 16900296, 20522431). This variant is present in population databases (rs769916634, gnomAD 0.002%). This variant has not been reported in the literature in individuals affected with CENPJ-related conditions. ClinVar contains an entry for this variant (Variation ID: 280490). For these reasons, this variant has been classified as Pathogenic.

Blueprint Genetics
Classification: Likely pathogenic for CENPJ-related disorders. Last evaluated: 2023-10-31. Review status: criteria provided, single submitter. Criteria: ACMG Guidelines, 2015. Collection method: clinical testing. Allele origin: germline. Affected: yes. Observed: 2 variant alleles.

GeneDx
Classification: Pathogenic. Last evaluated: 2017-03-06. Review status: criteria provided, single submitter. Criteria: GeneDx Variant Classification (06012015). Collection method: clinical testing. Allele origin: germline. Affected: yes.
Comment: The c.1029delA pathogenic variant causes a frameshift starting with codon Glutamic acid 344, changes this amino acid to an Asparagine residue and creates a premature Stop codon at position 10 of the new reading frame, denoted p.Glu344AsnfsX10. This pathogenic variant is predicted to cause loss of normal protein function either through protein truncation or nonsense-mediated mRNA decay. Although this variant has not been previously reported to our knowledge, other frameshift variants have been reported in the CENPJ gene in association with primary microcephaly (Stenson et al., 2014).

Literature cited by the submitters: PubMed 15793586 (cited by Labcorp Genetics (formerly Invitae), Labcorp); PubMed 16900296 (cited by Labcorp Genetics (formerly Invitae), Labcorp); PubMed 20522431 (cited by Labcorp Genetics (formerly Invitae), Labcorp).